The following is an entry in ClinVar:

ClinVar aggregate classification (germline): Pathogenic (1 of 4 stars; one submission).

Conditions:
Familial thoracic aortic aneurysm and aortic dissection (TAAD). Also called: Thoracic aortic aneurysms and dissections. Identifiers: Orphanet 91387, MedGen C4707243, MONDO:0019625.
Marfan syndrome (MFS). Also called: FBN1-Related Marfan Syndrome; Marfan syndrome type 1; Marfan's syndrome; Marfan syndrome, classic; MARFAN SYNDROME, TYPE I. Identifiers: Orphanet 284963, Orphanet 558, MedGen C0024796, MONDO:0007947, OMIM 154700.

Submission:

Labcorp Genetics (formerly Invitae), Labcorp
Classification: Pathogenic for Marfan syndrome; Familial thoracic aortic aneurysm and aortic dissection. Last evaluated: 2018-08-26. Review status: criteria provided, single submitter. Criteria: Invitae Variant Classification Sherloc (09022015). Collection method: clinical testing. Allele origin: germline.
Comment: This sequence change creates a premature translational stop signal (p.Cys2715*) in the FBN1 gene. It is expected to result in an absent or disrupted protein product. This variant is not present in population databases (ExAC no frequency). This variant has not been reported in the literature in individuals with FBN1-related disease. Loss-of-function variants in FBN1 are known to be pathogenic (PMID: 17657824, 19293843). For these reasons, this variant has been classified as Pathogenic.

Literature cited by the submitters: PubMed 17657824; PubMed 19293843.

NM_000138.5(FBN1):c.8145T>A (p.Cys2715Ter)

Gene: FBN1 (fibrillin 1; minus strand). Cytogenetic location: 15q21.1.
Variant type: single nucleotide variant.
Coding change: c.8145T>A on transcript NM_000138.5 (MANE Select); coding-DNA position 8145, T replaced by A.
Protein change: p.Cys2715Ter; replaces cysteine 2715 with a stop codon.
Molecular consequence: nonsense.
Genome position (GRCh38, 1-based): chr15:48,412,650, A>T on the plus strand (T>A on the coding strand, the complement: FBN1 is on the minus strand). VCF-style: chr15-48412650-A-T. GRCh37 (hg19) VCF-style: chr15-48704847-A-T.
Other names: short protein forms C2715*.
Identifiers: ClinVar variation 648036 (VCV000648036.6), dbSNP rs1597507712, ClinGen allele CA392321153.